The following is an entry in ClinVar:

NM_018714.3(COG1):c.1578G>C (p.Lys526Asn)

Gene: COG1 (component of oligomeric golgi complex 1; plus strand). Cytogenetic location: 17q25.1.
Variant type: single nucleotide variant.
Coding change: c.1578G>C on transcript NM_018714.3 (MANE Select); coding-DNA position 1578, G replaced by C.
Protein change: p.Lys526Asn; replaces lysine 526 with asparagine.
Molecular consequence: missense variant.
Genome position (GRCh38, 1-based): chr17:73,201,405, G>C. VCF-style: chr17-73201405-G-C. GRCh37 (hg19) VCF-style: chr17-71197544-G-C.
Other names: short protein forms K526N.
Identifiers: ClinVar variation 4714456 (VCV004714456.1).

ClinVar aggregate classification (germline): Uncertain significance (1 of 4 stars; one submission).

Conditions:
COG1 congenital disorder of glycosylation (CDG2G). Also called: CONGENITAL DISORDER OF GLYCOSYLATION, TYPE IIg; CDG IIg; CDGII/COG1 CEREBROCOSTOMANDIBULAR-LIKE SYNDROME. Identifiers: Orphanet 263508, MedGen C2931011, MONDO:0012637, OMIM 611209.

gnomAD v4.1: 37 of 1,614,120 alleles (0.0023%); highest among the groups gnomAD compares: Middle Eastern, 0.033%; no homozygotes.

Submission:

Labcorp Genetics (formerly Invitae), Labcorp
Classification: Uncertain significance for COG1 congenital disorder of glycosylation. Last evaluated: 2025-07-09. Review status: criteria provided, single submitter. Criteria: Invitae Variant Classification Sherloc (09022015). Collection method: clinical testing. Allele origin: germline.
Comment: This sequence change replaces lysine, which is basic and polar, with asparagine, which is neutral and polar, at codon 526 of the COG1 protein (p.Lys526Asn). This variant is present in population databases (no rsID available, gnomAD 0.003%). This variant has not been reported in the literature in individuals affected with COG1-related conditions. Invitae Evidence Modeling of protein sequence and biophysical properties (such as structural, functional, and spatial information, amino acid conservation, physicochemical variation, residue mobility, and thermodynamic stability) indicates that this missense variant is expected to disrupt COG1 protein function with a positive predictive value of 80%. In summary, the available evidence is currently insufficient to determine the role of this variant in disease. Therefore, it has been classified as a Variant of Uncertain Significance.